The following is an entry in ClinVar:

NM_001048174.2(MUTYH):c.992C>T (p.Pro331Leu)

Gene: MUTYH (mutY DNA glycosylase; minus strand). Cytogenetic location: 1p34.1.
Variant type: single nucleotide variant.
Coding change: c.992C>T on transcript NM_001048174.2 (MANE Select); coding-DNA position 992, C replaced by T.
Protein change: p.Pro331Leu; replaces proline 331 with leucine.
Molecular consequence: missense variant. On other transcripts: non-coding transcript variant (2).
Genome position (GRCh38, 1-based): chr1:45,331,771, G>A on the plus strand (C>T on the coding strand, the complement: MUTYH is on the minus strand). VCF-style: chr1-45331771-G-A. GRCh37 (hg19) VCF-style: chr1-45797443-G-A.
Other names: c.992C>T, p.Pro331Leu (NM_001048171.2, NM_001048173.2, NM_001293195.2); c.995C>T, p.Pro332Leu (NM_001048172.2); c.1076C>T, p.Pro359Leu (NM_001128425.2); c.1037C>T, p.Pro346Leu (NM_001293190.2); c.1025C>T, p.Pro342Leu (NM_001293191.2); c.716C>T, p.Pro239Leu (NM_001293192.2, NM_001293196.2); c.647C>T, p.Pro216Leu (NM_001350650.2, NM_001350651.2); c.1067C>T, p.Pro356Leu (NM_012222.3); short protein forms P359L, P216L, P239L, P356L, P342L, P331L, P332L, P346L.
Identifiers: ClinVar variation 406827 (VCV000406827.27), dbSNP rs1060501323, ClinGen allele CA16610177.

ClinVar aggregate classification (germline): Conflicting classifications of pathogenicity. Review status: criteria provided, conflicting classifications (1 of 4 stars). 8 submissions from 8 submitters: Likely pathogenic (3); Uncertain significance (5). Last evaluated 2026-08-20.

Conditions:
Hereditary cancer-predisposing syndrome. Also called: Hereditary Cancer Syndrome; Hereditary neoplastic syndrome; Neoplastic Syndromes, Hereditary; Tumor predisposition. Identifiers: Orphanet 140162, MedGen C0027672, MeSH D009386, MONDO:0015356.
Familial adenomatous polyposis 2. Also called: MUTYH-associated polyposis; Adenomas, multiple colorectal; ADENOMAS, MULTIPLE COLORECTAL, AUTOSOMAL RECESSIVE; FAP type 2; MUTYH-related attenuated familial adenomatous polyposis; MYH-associated polyposis. Identifiers: Orphanet 220460, Orphanet 247798, MedGen C3272841, MONDO:0012041, OMIM 608456.

Allele frequency attached by ClinVar (database versions not stated): TOPMed below 0.00001; gnomAD exomes below 0.00001 and 0.00001; gnomAD 0.00001.

Submissions (8):

Myriad Genetics, Inc.
Classification: Likely pathogenic for Familial adenomatous polyposis 2. Last evaluated: 2026-08-20. Review status: criteria provided, single submitter. Criteria: Myriad Autosomal Dominant, Autosomal Recessive and X-Linked Classification Criteria (2023). Collection method: clinical testing. Allele origin: unknown.
Comment: This variant is considered likely pathogenic. This variant is expected to disrupt protein structure [Myriad internal data]. Functional studies indicate this variant impacts protein function [PMID: 40738107]. This variant has been reported in multiple individuals with clinical features of gene-specific disease [PMID: 20618354, 17949294; external communications; Myriad internal data].

Labcorp Genetics (formerly Invitae), Labcorp
Classification: Likely pathogenic for Familial adenomatous polyposis 2. Last evaluated: 2025-10-18. Review status: criteria provided, single submitter. Criteria: Invitae Variant Classification Sherloc (09022015). Collection method: clinical testing. Allele origin: germline.
Comment: This sequence change replaces proline, which is neutral and non-polar, with leucine, which is neutral and non-polar, at codon 359 of the MUTYH protein (p.Pro359Leu). This variant is present in population databases (no rsID available, gnomAD 0.005%). This missense change has been observed in individual(s) with clinical features of MUTYH-associated polyposis (PMID: 17949294, 20618354; internal data). In at least one individual the data is consistent with being in trans (on the opposite chromosome) from a pathogenic variant. This variant is also known as c.1034C>T (p.Pro345Leu). ClinVar contains an entry for this variant (Variation ID: 406827). An algorithm developed to predict the effect of missense changes on protein structure and function (PolyPhen-2) suggests that this variant is likely to be disruptive. In summary, the currently available evidence indicates that the variant is pathogenic, but additional data are needed to prove that conclusively. Therefore, this variant has been classified as Likely Pathogenic.

Quest Diagnostics Nichols Institute San Juan Capistrano
Classification: Uncertain significance. Last evaluated: 2025-08-29. Review status: criteria provided, single submitter. Criteria: Quest Diagnostics criteria. Collection method: clinical testing. Allele origin: unknown.
Comment: The MUTYH c.1076C>T (p.Pro359Leu) variant has been reported in the published literature in individuals with colorectal adenomas (PMID: 17949294 (2007)), and atypical familial adenomatous polyposis (FAP) who also carried as second pathogenic MUTYH variant (PMID: 20618354 (2010)). The frequency of this variant in the general population (Genome Aggregation Database) is uninformative in the assessment of its pathogenicity. Analysis of this variant using bioinformatics tools for the prediction of the effect of amino acid changes on protein structure and function yielded predictions that this variant is damaging. Based on the available information, we are unable to determine the clinical significance of this variant.

Color Diagnostics, LLC DBA Color Health
Classification: Uncertain significance for Hereditary cancer-predisposing syndrome. Last evaluated: 2025-06-05. Review status: criteria provided, single submitter. Criteria: ACMG Guidelines, 2015. Collection method: clinical testing. Allele origin: germline.
Comment: This missense variant replaces proline with leucine at codon 359 of the MUTYH protein. Computational prediction suggests that this variant may have deleterious impact on protein structure and function. To our knowledge, functional studies have not been reported for this variant. This variant has been reported in individuals affected with multiple colorectal adenomas (PMID: 17949294, 20618354). This variant has been identified in 1/248960 chromosomes in the general population by the Genome Aggregation Database (gnomAD). The available evidence is insufficient to determine the role of this variant in disease conclusively. Therefore, this variant is classified as a Variant of Uncertain Significance.

Ambry Genetics
Classification: Likely pathogenic for Hereditary cancer-predisposing syndrome. Last evaluated: 2024-12-31. Review status: criteria provided, single submitter. Criteria: Ambry Variant Classification Scheme 2023. Collection method: clinical testing. Allele origin: germline.
Comment: The p.P359L variant (also known as c.1076C>T), located in coding exon 12 of the MUTYH gene, results from a C to T substitution at nucleotide position 1076. The proline at codon 359 is replaced by leucine, an amino acid with similar properties. This alteration has been detected in a patient with more than 5 polyps or colorectal cancer and in a second patient with approximately 20 adenomas in conjunction with MUTYH p.G396D (phase unknown) (Olschwang S et al. Genet Test. 2007 Fall;11(3):315-20; Morak M et al. Clin Genet. 2010 Oct;78(4):353-63). Of note, this alteration is also known as c.1034C>T (p.P345L) in published literature. This amino acid position is highly conserved in available vertebrate species. In addition, this alteration is predicted to be deleterious by in silico analysis. This variant is considered to be rare based on population cohorts in the Genome Aggregation Database (gnomAD). Based on the majority of available evidence to date, this variant is likely to be pathogenic.

All of Us Research Program, National Institutes of Health
Classification: Uncertain significance for Familial adenomatous polyposis 2. Last evaluated: 2024-05-09. Review status: criteria provided, single submitter. Criteria: ACMG Guidelines, 2015. Collection method: clinical testing. Allele origin: germline. Inheritance: Autosomal recessive inheritance. Observed: 4 variant alleles, 4 heterozygotes.
Comment: This missense variant replaces proline with leucine at codon 359 of the MUTYH protein. Computational prediction suggests that this variant may have deleterious impact on protein structure and function (internally defined REVEL score threshold >= 0.7, PMID: 27666373). To our knowledge, functional studies have not been reported for this variant. This variant has been reported in individuals affected with MUTYH-associated polyposis (PMID: 17949294, 20618354). This variant has been identified in 1/248960 chromosomes in the general population by the Genome Aggregation Database (gnomAD). The available evidence is insufficient to determine the role of this variant in disease conclusively. Therefore, this variant is classified as a Variant of Uncertain Significance.

This study involves interpretation of variants in research participants for the purpose of population health screening. Participant phenotype was not available at the time of variant classification. Additional details can be found in publication PMID: 35346344, PMCID: PMC8962531

Baylor Genetics
Classification: Uncertain significance for Familial adenomatous polyposis 2. Last evaluated: 2024-02-27. Review status: criteria provided, single submitter. Criteria: ACMG Guidelines, 2015. Collection method: clinical testing. Allele origin: unknown.

GeneDx
Classification: Uncertain significance. Last evaluated: 2018-06-18. Review status: criteria provided, single submitter. Criteria: GeneDx Variant Classification (06012015). Collection method: clinical testing. Allele origin: germline. Affected: yes.
Comment: This variant is denoted MUTYH c.1076C>T at the cDNA level, p.Pro359Leu (P359L) at the protein level, and results in the change of a Proline to a Leucine (CCC>CTC). This variant has been reported with the common pathogenic variant Gly396Asp in an individual with colorectal adenomas, although phase was not proven (Morak 2010). MUTYH Pro359Leu was not observed at a significant allele frequency in large population cohorts (Lek 2016). This variant is not located in a known functional domain. In silico analysis, which includes protein predictors and evolutionary conservation, supports a deleterious effect. Based on currently available evidence, it is unclear whether MUTYH Pro359Leu is a pathogenic or benign variant. We consider it to be a variant of uncertain significance. Of note, MUTYH-Associated Polyposis (MAP) is a recessive condition associated with two MUTYH pathogenic variants on opposite chromosomes.

Literature cited by the submitters: PubMed 40738107 (cited by Myriad Genetics, Inc.); PubMed 20618354 (cited by 5 submitters); PubMed 17949294 (cited by 5 submitters).